The following is an entry in ClinVar:

NM_001199138.2(NLRC4):c.944A>G (p.Lys315Arg)

Gene: NLRC4 (NLR family CARD domain containing 4; minus strand). Cytogenetic location: 2p22.3.
Variant type: single nucleotide variant.
Coding change: c.944A>G on transcript NM_001199138.2 (MANE Select); coding-DNA position 944, A replaced by G.
Protein change: p.Lys315Arg; replaces lysine 315 with arginine.
Molecular consequence: missense variant. On other transcripts: intron variant (1).
Genome position (GRCh38, 1-based): chr2:32,250,920, T>C on the plus strand (A>G on the coding strand, the complement: NLRC4 is on the minus strand). VCF-style: chr2-32250920-T-C. GRCh37 (hg19) VCF-style: chr2-32475989-T-C.
Other names: c.944A>G, p.Lys315Arg (NM_001199139.2, NM_021209.5); c.262+1499A>G (NM_001302504.1); short protein forms K315R.
Identifiers: ClinVar variation 839135 (VCV000839135.10), dbSNP rs768275257, ClinGen allele CA1602059.
Genomic context (GRCh38, chr2:32,250,920, plus strand): 5'-ATGAGATTCCTCAAGCACCTGGATTTCTGAATTTGGAGCAACAAGCCTTCAGCAAGCTCC[T>C]TGATCAGCACTTCTCGGATGAGAGCCTGGGCGCTGTCTTCTGTCATATCCCCCACCTCAG-3'
Protein context (NP_001186067.1, residues 305-325): AQALIREVLI[Lys315Arg]ELAEGLLLQI

ClinVar aggregate classification (germline): Uncertain significance (1 of 4 stars; one submission).

Conditions:
Familial cold autoinflammatory syndrome 4 (FCAS4). Identifiers: Orphanet 47045, Orphanet 576349, MedGen C4015276, MONDO:0014498, OMIM 616115.
Periodic fever-infantile enterocolitis-autoinflammatory syndrome. Also called: Autoinflammation with infantile enterocolitis. Identifiers: Orphanet 436166, MedGen C4015067, MONDO:0014472, OMIM 616050.

Allele frequency attached by ClinVar (database versions not stated): gnomAD exomes below 0.00001; ExAC 0.00001.
gnomAD v4.1: 3 of 1,614,136 alleles (0.00019%); highest among the groups gnomAD compares: South Asian, 0.0011%; no homozygotes.

Submission:

Labcorp Genetics (formerly Invitae), Labcorp
Classification: Uncertain significance for Periodic fever-infantile enterocolitis-autoinflammatory syndrome; Familial cold autoinflammatory syndrome 4. Last evaluated: 2023-08-04. Review status: criteria provided, single submitter. Criteria: Invitae Variant Classification Sherloc (09022015). Collection method: clinical testing. Allele origin: germline.
Comment: In summary, the available evidence is currently insufficient to determine the role of this variant in disease. Therefore, it has been classified as a Variant of Uncertain Significance. Advanced modeling of protein sequence and biophysical properties (such as structural, functional, and spatial information, amino acid conservation, physicochemical variation, residue mobility, and thermodynamic stability) performed at Invitae indicates that this missense variant is not expected to disrupt NLRC4 protein function. ClinVar contains an entry for this variant (Variation ID: 839135). This variant has not been reported in the literature in individuals affected with NLRC4-related conditions. This variant is present in population databases (rs768275257, gnomAD 0.0009%). This sequence change replaces lysine, which is basic and polar, with arginine, which is basic and polar, at codon 315 of the NLRC4 protein (p.Lys315Arg).